The following is an entry in ClinVar:

ClinVar aggregate classification (germline): Uncertain significance (1 of 4 stars; one submission).

Conditions:
Severe combined immunodeficiency due to IKK2 deficiency. Also called: Immunodeficiency 15; IMMUNODEFICIENCY 15B. Identifiers: Orphanet 397787, MedGen C4747743, MONDO:0014267, OMIM 615592.

Allele frequency attached by ClinVar (database versions not stated): TOPMed below 0.00001.
gnomAD v4.1: 7 of 1,596,666 alleles (0.00044%); highest among the groups gnomAD compares: South Asian, 0.0079%; 1 homozygote.

Submission:

Labcorp Genetics (formerly Invitae), Labcorp
Classification: Uncertain significance for Severe combined immunodeficiency due to IKK2 deficiency. Last evaluated: 2023-11-27. Review status: criteria provided, single submitter. Criteria: Invitae Variant Classification Sherloc (09022015). Collection method: clinical testing. Allele origin: germline.
Comment: This sequence change replaces glycine, which is neutral and non-polar, with valine, which is neutral and non-polar, at codon 558 of the IKBKB protein (p.Gly558Val). This variant is not present in population databases (gnomAD no frequency). This variant has not been reported in the literature in individuals affected with IKBKB-related conditions. ClinVar contains an entry for this variant (Variation ID: 1356353). Advanced modeling of protein sequence and biophysical properties (such as structural, functional, and spatial information, amino acid conservation, physicochemical variation, residue mobility, and thermodynamic stability) performed at Invitae indicates that this missense variant is not expected to disrupt IKBKB protein function with a negative predictive value of 95%. In summary, the available evidence is currently insufficient to determine the role of this variant in disease. Therefore, it has been classified as a Variant of Uncertain Significance.

NM_001556.3(IKBKB):c.1673G>T (p.Gly558Val)

Gene: IKBKB (inhibitor of nuclear factor kappa B kinase subunit beta; plus strand). Cytogenetic location: 8p11.21.
Variant type: single nucleotide variant.
Coding change: c.1673G>T on transcript NM_001556.3 (MANE Select); coding-DNA position 1673, G replaced by T.
Protein change: p.Gly558Val; replaces glycine 558 with valine.
Molecular consequence: missense variant. On other transcripts: non-coding transcript variant (3).
Genome position (GRCh38, 1-based): chr8:42,320,829, G>T. VCF-style: chr8-42320829-G-T. GRCh37 (hg19) VCF-style: chr8-42178347-G-T.
Other names: c.1481G>T, p.Gly494Val (NM_001190720.3); c.1496G>T, p.Gly499Val (NM_001242778.2); short protein forms G499V, G494V, G558V.
Identifiers: ClinVar variation 1356353 (VCV001356353.8), dbSNP rs1441651063, ClinGen allele CA371091368.